The following is an entry in ClinVar:

NC_000009.11:g.(?_101597521)_(101608415_?)del

Gene: GALNT12 (polypeptide N-acetylgalactosaminyltransferase 12; plus strand). Cytogenetic location: 9q22.33.
Variant type: Deletion.
Identifiers: ClinVar variation 1054494 (VCV001054494.5).

ClinVar aggregate classification (germline): Uncertain significance (1 of 4 stars; one submission).

Submission:

Labcorp Genetics (formerly Invitae), Labcorp
Classification: Uncertain significance. Last evaluated: 2020-07-13. Review status: criteria provided, single submitter. Criteria: Invitae Variant Classification Sherloc (09022015). Collection method: clinical testing. Allele origin: germline.
Comment: Experimental studies and prediction algorithms are not available or were not evaluated, and the functional significance of this variant is currently unknown. In summary, the available evidence is currently insufficient to determine the role of this variant in disease. Therefore, it has been classified as a Variant of Uncertain Significance. This variant has not been reported in the literature in individuals with GALNT12-related conditions. This variant is a gross deletion of the genomic region encompassing exon(s) 5-9 of the GALNT12 gene. While this deletion is not anticipated to result in nonsense mediated decay, it is expected to create a truncated protein product.